The following is an entry in ClinVar:

NM_206933.4(USH2A):c.13514A>G (p.Tyr4505Cys)

Gene: USH2A (usherin; minus strand). Cytogenetic location: 1q41.
Variant type: single nucleotide variant.
Coding change: c.13514A>G on transcript NM_206933.4 (MANE Select); coding-DNA position 13514, A replaced by G.
Protein change: p.Tyr4505Cys; replaces tyrosine 4505 with cysteine.
Molecular consequence: missense variant.
Genome position (GRCh38, 1-based): chr1:215,674,397, T>C on the plus strand (A>G on the coding strand, the complement: USH2A is on the minus strand). VCF-style: chr1-215674397-T-C. GRCh37 (hg19) VCF-style: chr1-215847739-T-C.
Other names: c.13514A>G (NM_206933.2); short protein forms Y4505C.
Identifiers: ClinVar variation 1008496 (VCV001008496.17), dbSNP rs1268140508, ClinGen allele CA344844917.

ClinVar aggregate classification (germline): Conflicting classifications of pathogenicity. Review status: criteria provided, conflicting classifications (1 of 4 stars). 9 submissions from 9 submitters: Pathogenic (1); Likely pathogenic (5); Uncertain significance (2). 1 of the submissions does not count toward it. Last evaluated 2026-03-23.

Conditions:
Retinal dystrophy. Also called: Inherited retinal dystrophy. Identifiers: Orphanet 71862, MedGen C0854723, MeSH D058499, MONDO:0019118, HP:0000556.
USH2A-related disorder. Also called: USH2A-related condition; USH2A-related disorders. Identifiers: MedGen CN239332.
Usher syndrome type 2A. Also called: USHER SYNDROME, TYPE IIA; RETINAL DISEASE IN USHER SYNDROME TYPE IIA, MODIFIER OF. Identifiers: Orphanet 231178, Orphanet 886, MedGen C1848634, MONDO:0010169, OMIM 276901.
Retinitis pigmentosa 39 (RP39). Identifiers: Orphanet 791, MedGen C3151138, MONDO:0013436, OMIM 613809.
Usher syndrome. Also called: Usher's syndrome; Usher Syndromes. Identifiers: Orphanet 886, MedGen CN469326, MeSH D052245, MONDO:0019501. Disease mechanism: loss of function.

Allele frequency attached by ClinVar (database versions not stated): gnomAD exomes below 0.00001; gnomAD 0.00001; TOPMed 0.00002.
gnomAD v4.1: 2 of 1,614,022 alleles (0.00012%); highest among the groups gnomAD compares: Admixed American, 0.0017%; no homozygotes.

Submissions (9):

Myriad Genetics, Inc.
Classification: Uncertain significance for USH2A-related disorder. Last evaluated: 2026-03-23. Review status: criteria provided, single submitter. Criteria: Myriad Autosomal Dominant, Autosomal Recessive and X-Linked Classification Criteria (2023). Collection method: clinical testing. Allele origin: unknown.
Comment: NM_206933.2(USH2A):c.13514A>G(Y4505C) is a missense variant classified as a variant of uncertain significance in the context of USH2A-related disorders. Y4505C has been observed in cases with relevant disease (PMID: 32675063, 32037395, 39462066, 21766549, 39629117, Fall_2025_(Presentation)). Relevant functional assessments of this variant are not available in the literature. Y4505C has not been observed in referenced population frequency databases. In summary, there is insufficient evidence to classify NM_206933.2(USH2A):c.13514A>G(Y4505C) as pathogenic or benign. Please note: this variant was assessed in the context of healthy population screening.

Women's Health and Genetics/Laboratory Corporation of America, LabCorp
Classification: Likely pathogenic for Usher syndrome. Last evaluated: 2025-07-31. Review status: criteria provided, single submitter. Criteria: LabCorp Variant Classification Summary - May 2015. Collection method: clinical testing. Allele origin: germline.
Comment: Variant summary: USH2A c.13514A>G (p.Tyr4505Cys) results in a non-conservative amino acid change located in the Fibronectin type III domain (IPR003961) of the encoded protein sequence. Algorithms developed to predict the effect of missense changes on protein structure and function all suggest that this variant is likely to be disruptive. The variant was absent in 250984 control chromosomes. c.13514A>G has been observed in compound heterozygous and homozygous individuals affected with Usher Syndrome (Zampiglione_2020, Zhu_2021, Liel_2024). These data indicate that the variant is likely to be associated with disease. To our knowledge, no experimental evidence demonstrating an impact on protein function has been reported. The following publications have been ascertained in the context of this evaluation (PMID: 39462066, 32037395, 32675063). ClinVar contains an entry for this variant (Variation ID: 1008496). Based on the evidence outlined above, the variant was classified as likely pathogenic.

Labcorp Genetics (formerly Invitae), Labcorp
Classification: Likely pathogenic. Last evaluated: 2025-06-01. Review status: criteria provided, single submitter. Criteria: Invitae Variant Classification Sherloc (09022015). Collection method: clinical testing. Allele origin: germline.
Comment: This sequence change replaces tyrosine, which is neutral and polar, with cysteine, which is neutral and slightly polar, at codon 4505 of the USH2A protein (p.Tyr4505Cys). This variant is not present in population databases (gnomAD no frequency). This missense change has been observed in individuals with USH2A-related conditions (PMID: 32037395, 32675063). ClinVar contains an entry for this variant (Variation ID: 1008496). Invitae Evidence Modeling of protein sequence and biophysical properties (such as structural, functional, and spatial information, amino acid conservation, physicochemical variation, residue mobility, and thermodynamic stability) indicates that this missense variant is expected to disrupt USH2A protein function with a positive predictive value of 95%. In summary, the currently available evidence indicates that the variant is pathogenic, but additional data are needed to prove that conclusively. Therefore, this variant has been classified as Likely Pathogenic.

Fulgent Genetics
Classification: Likely pathogenic for Usher syndrome type 2A; Retinitis pigmentosa 39. Last evaluated: 2024-05-16. Review status: criteria provided, single submitter. Criteria: ACMG Guidelines, 2015. Collection method: clinical testing. Allele origin: germline.

Baylor Genetics
Classification: Likely pathogenic for Retinitis pigmentosa 39. Last evaluated: 2023-10-29. Review status: criteria provided, single submitter. Criteria: ACMG Guidelines, 2015. Collection method: clinical testing. Allele origin: unknown.

Blueprint Genetics
Classification: Pathogenic for USH2A-related disorders. Last evaluated: 2022-09-29. Review status: criteria provided, single submitter. Criteria: ACMG Guidelines, 2015. Collection method: clinical testing. Allele origin: germline. Affected: yes. Observed: 2 variant alleles.

GeneDx
Classification: Uncertain significance. Last evaluated: 2022-05-06. Review status: criteria provided, single submitter. Criteria: GeneDx Variant Classification Process June 2021. Collection method: clinical testing. Allele origin: germline. Affected: yes.
Comment: Observed with a second USH2A variant, both in the homozygous state, in a patient with retinal degeneration in published literature (Zampaglione et al., 2020); Not observed at significant frequency in large population cohorts (gnomAD); In silico analysis supports that this missense variant has a deleterious effect on protein structure/function; This variant is associated with the following publications: (PMID: 32037395, 32675063)

Institute of Human Genetics, Univ. Regensburg, Univ. Regensburg
Classification: Likely pathogenic for Retinal dystrophy. Last evaluated: 2022-01-01. Review status: criteria provided, single submitter. Criteria: ACMG Guidelines, 2015. Collection method: clinical testing. Allele origin: germline. Affected: yes.

Natera, Inc.
Classification: Uncertain significance for Usher syndrome type 2A. Last evaluated: 2021-05-18. Review status: no assertion criteria provided. Collection method: clinical testing. Allele origin: germline. Not counted in ClinVar's aggregate classification.

Literature cited by the submitters: PubMed 32675063 (cited by Women's Health and Genetics/Laboratory Corporation of America, LabCorp and Labcorp Genetics (formerly Invitae), Labcorp); PubMed 32037395 (cited by 3 submitters); PubMed 39462066 (cited by Women's Health and Genetics/Laboratory Corporation of America, LabCorp); PubMed 3267506 (cited by Institute of Human Genetics, Univ. Regensburg, Univ. Regensburg).